The following is an entry in ClinVar:

NM_000198.4(HSD3B2):c.946C>T (p.Arg316Cys)

Gene: HSD3B2 (hydroxy-delta-5-steroid dehydrogenase, 3 beta- and steroid delta-isomerase 2; plus strand). Cytogenetic location: 1p12.
Variant type: single nucleotide variant.
Coding change: c.946C>T on transcript NM_000198.4 (MANE Select); coding-DNA position 946, C replaced by T.
Protein change: p.Arg316Cys; replaces arginine 316 with cysteine.
Molecular consequence: missense variant.
Genome position (GRCh38, 1-based): chr1:119,422,447, C>T. VCF-style: chr1-119422447-C-T. GRCh37 (hg19) VCF-style: chr1-119965070-C-T.
Other names: c.946C>T, p.Arg316Cys (NM_001166120.2); short protein forms R316C.
Identifiers: ClinVar variation 1804657 (VCV001804657.2), dbSNP rs114032180, ClinGen allele CA1036065.

ClinVar aggregate classification (germline): Uncertain significance (1 of 4 stars; one submission).

Allele frequency attached by ClinVar (database versions not stated): ExAC 0.00006; gnomAD 0.00006; ESP Exome Variant Server 0.00008; TOPMed 0.00010; gnomAD exomes 0.00016.

Submission:

Women's Health and Genetics/Laboratory Corporation of America, LabCorp
Classification: Uncertain significance. Last evaluated: 2023-12-07. Review status: criteria provided, single submitter. Criteria: LabCorp Variant Classification Summary - May 2015. Collection method: clinical testing. Allele origin: germline.
Comment: Variant summary: HSD3B2 c.946C>T (p.Arg316Cys) results in a non-conservative amino acid change in the encoded protein sequence. Three of five in-silico tools predict a damaging effect of the variant on protein function. The variant allele was found at a frequency of 0.0001 in 251264 control chromosomes. This frequency is not significantly higher than estimated for a pathogenic variant in HSD3B2 causing Congenital Adrenal Hyperplasia (0.0001 vs 0.0013), allowing no conclusion about variant significance. c.946C>T has been reported in the literature in the compound heterozygous state in one individual with a suspected disorder of androgen synthesis or action (DASA) (Eggers_2016). It has also been reported as occurring de novo in one individual with a conotruncal defect, but without clear evidence of causality for that phenotype (Edwards_2020). These data do not allow any conclusion about variant significance. To our knowledge, no experimental evidence demonstrating an impact on protein function has been reported. The following publications have been ascertained in the context of this evaluation (PMID: 32368696, 27899157, 26288759). No submitters have cited clinical-significance assessments for this variant to ClinVar after 2014. Based on the evidence outlined above, the variant was classified as uncertain significance.

Literature cited by the submitters: PubMed 27899157; PubMed 26288759; PubMed 32368696.